The following is an entry in ClinVar:

NC_000009.11:g.(?_214977)_(325757_?)dup

Genes: DOCK8 (dedicator of cytokinesis 8; plus strand), DOCK8-AS1 (DOCK8 antisense RNA 1; minus strand). Cytogenetic location: 9p24.3.
Variant type: Duplication.
Identifiers: ClinVar variation 2427710 (VCV002427710.8).

ClinVar aggregate classification (germline): Uncertain significance (1 of 4 stars; one submission).

Conditions:
Hyper-IgE recurrent infection syndrome 3, autosomal recessive. Also called: Autosomal recessive hyper-IgE syndrome due to ZNF341 deficiency; HYPER-IgE SYNDROME 3, AUTOSOMAL RECESSIVE, WITH RECURRENT INFECTIONS. Identifiers: Orphanet 641368, MedGen C4748969, MONDO:0032654, OMIM 618282.

Submission:

Labcorp Genetics (formerly Invitae), Labcorp
Classification: Uncertain significance for Combined immunodeficiency due to DOCK8 deficiency. Last evaluated: 2024-01-06. Review status: criteria provided, single submitter. Criteria: Invitae Variant Classification Sherloc (09022015). Collection method: clinical testing. Allele origin: germline.
Comment: This variant results in a copy number gain of the genomic region encompassing exon(s) 1-8 of the DOCK8 gene. This region includes the initiator codon of the gene. This copy number gain extends beyond the assayed region for this gene and therefore may encompass additional genes. As the precise location of this event is unknown, it may be in tandem or it may be located elsewhere in the genome. This variant has not been reported in the literature in individuals affected with DOCK8-related conditions. In summary, the available evidence is currently insufficient to determine the role of this variant in disease. Therefore, it has been classified as a Variant of Uncertain Significance.